The following is an entry in ClinVar:

ClinVar aggregate classification (germline): Benign/Likely benign. Review status: criteria provided, multiple submitters, no conflicts (2 of 4 stars). 3 submissions from 3 submitters: Benign (1); Likely benign (2). Last evaluated 2025-07-15.

Conditions:
Hereditary cancer-predisposing syndrome. Also called: Tumor predisposition; Hereditary Cancer Syndrome; Hereditary neoplastic syndrome; Neoplastic Syndromes, Hereditary. Identifiers: Orphanet 140162, MedGen C0027672, MeSH D009386, MONDO:0015356.
Prostate cancer, hereditary, 9 (HPC9). Identifiers: Orphanet 1331, MedGen C1970250, MONDO:0012597, OMIM 610997.

Allele frequency attached by ClinVar (database versions not stated): TOPMed below 0.00001; gnomAD 0.00001.

Submissions (3):

Labcorp Genetics (formerly Invitae), Labcorp
Classification: Likely benign. Last evaluated: 2025-07-15. Review status: criteria provided, single submitter. Criteria: Invitae Variant Classification Sherloc (09022015). Collection method: clinical testing. Allele origin: germline.

Myriad Genetics, Inc.
Classification: Benign for Prostate cancer, hereditary, 9. Last evaluated: 2024-10-28. Review status: criteria provided, single submitter. Criteria: Myriad Autosomal Dominant, Autosomal Recessive and X-Linked Classification Criteria (2023). Collection method: clinical testing. Allele origin: unknown.
Comment: This variant is considered benign. This variant is a silent/synonymous amino acid change and it is not expected to impact splicing.

Ambry Genetics
Classification: Likely benign for Hereditary cancer-predisposing syndrome. Last evaluated: 2017-03-09. Review status: criteria provided, single submitter. Criteria: Ambry Variant Classification Scheme 2023. Collection method: clinical testing. Allele origin: germline.

NM_006361.6(HOXB13):c.39G>A (p.Lys13=)

Gene: HOXB13 (homeobox B13; minus strand). Cytogenetic location: 17q21.32.
Variant type: single nucleotide variant.
Coding change: c.39G>A on transcript NM_006361.6 (MANE Select); coding-DNA position 39, G replaced by A.
Protein change: p.Lys13=; no amino-acid change (lysine 13 retained).
Molecular consequence: synonymous variant.
Genome position (GRCh38, 1-based): chr17:48,728,555, C>T on the plus strand (G>A on the coding strand, the complement: HOXB13 is on the minus strand). VCF-style: chr17-48728555-C-T. GRCh37 (hg19) VCF-style: chr17-46805917-C-T.
Identifiers: ClinVar variation 485695 (VCV000485695.14), dbSNP rs1555558715, ClinGen allele CA500503248.